The following is an entry in ClinVar:

NM_004713.6(NEMF):c.1609G>C (p.Glu537Gln)

Gene: NEMF (nuclear export mediator factor; minus strand). Cytogenetic location: 14q21.3.
Variant type: single nucleotide variant.
Coding change: c.1609G>C on transcript NM_004713.6 (MANE Select); coding-DNA position 1609, G replaced by C.
Protein change: p.Glu537Gln; replaces glutamic acid 537 with glutamine.
Molecular consequence: missense variant.
Genome position (GRCh38, 1-based): chr14:49,814,826, C>G on the plus strand (G>C on the coding strand, the complement: NEMF is on the minus strand). VCF-style: chr14-49814826-C-G. GRCh37 (hg19) VCF-style: chr14-50281544-C-G.
Other names: c.1609G>C, p.Glu537Gln (NM_001301732.3); short protein forms E537Q.
Identifiers: ClinVar variation 3893331 (VCV003893331.1).

ClinVar aggregate classification (germline): Uncertain significance (1 of 4 stars; one submission).

Submission:

GeneDx
Classification: Uncertain significance. Last evaluated: 2024-10-22. Review status: criteria provided, single submitter. Criteria: GeneDx Variant Classification Process June 2021. Collection method: clinical testing. Allele origin: germline. Affected: yes.
Comment: In silico analysis supports that this missense variant has a deleterious effect on protein structure/function; Has not been previously published as pathogenic or benign to our knowledge; In silico analysis suggests this variant may impact gene splicing. In the absence of RNA/functional studies, the actual effect of this sequence change is unknown.